The following is an entry in ClinVar:

ClinVar aggregate classification (germline): Conflicting classifications of pathogenicity. Review status: criteria provided, conflicting classifications (1 of 4 stars). 3 submissions from 3 submitters: Likely pathogenic (2); Uncertain significance (1). Last evaluated 2025-10-10.

Conditions:
Primary ciliary dyskinesia. Also called: Ciliary dyskinesia. Identifiers: Orphanet 244, MedGen C0008780, MONDO:0016575, HP:0012265.
Primary ciliary dyskinesia 3. Identifiers: Orphanet 244, MedGen C1837618, MONDO:0012085, OMIM 608644.

Allele frequency attached by ClinVar (database versions not stated): gnomAD exomes 0.00001 and 0.00004; ExAC 0.00003; gnomAD 0.00003; TOPMed 0.00003.
gnomAD v4.1: 14 of 1,515,858 alleles (0.00092%); highest among the groups gnomAD compares: East Asian, 0.029%; no homozygotes.

Submissions (3):

Natera, Inc.
Classification: Likely pathogenic for Primary ciliary dyskinesia. Last evaluated: 2025-10-10. Review status: criteria provided, single submitter. Criteria: Natera Variant Classification Schema (03/2026). Collection method: clinical testing. Allele origin: germline.
Comment: The c.4355+5G>A variant in DNAH5 is an intronic variant located outside the canonical splice sites. This variant is rare in the general population with a frequency below the threshold expected for the associated phenotype(s). This variant has been observed in one or more individuals affected with the associated recessive disease, as either homozygous or compound heterozygous with a second variant (PMID: 39009665). This variant has been observed to segregate in affected family members (PMID: 39009665). Computational prediction algorithms indicate this variant is likely to affect gene or protein function. Given the available evidence, this variant is classified as Likely Pathogenic.

Labcorp Genetics (formerly Invitae), Labcorp
Classification: Uncertain significance for Primary ciliary dyskinesia. Last evaluated: 2022-06-25. Review status: criteria provided, single submitter. Criteria: Invitae Variant Classification Sherloc (09022015). Collection method: clinical testing. Allele origin: germline.
Comment: This sequence change falls in intron 27 of the DNAH5 gene. It does not directly change the encoded amino acid sequence of the DNAH5 protein. It affects a nucleotide within the consensus splice site. This variant is present in population databases (rs774366812, gnomAD 0.07%). This variant has not been reported in the literature in individuals affected with DNAH5-related conditions. ClinVar contains an entry for this variant (Variation ID: 992007). Variants that disrupt the consensus splice site are a relatively common cause of aberrant splicing (PMID: 17576681, 9536098). Algorithms developed to predict the effect of sequence changes on RNA splicing suggest that this variant may disrupt the consensus splice site. In summary, the available evidence is currently insufficient to determine the role of this variant in disease. Therefore, it has been classified as a Variant of Uncertain Significance.

Juno Genomics, Hangzhou Juno Genomics, Inc
Classification: Likely pathogenic for Primary ciliary dyskinesia 3. Review status: criteria provided, single submitter. Criteria: ACMG Guidelines, 2015. Collection method: clinical testing. Allele origin: germline.
Comment: Absent from controls (or at extremely low frequency if recessive) in Genome Aggregation Database.;Multiple lines of computational evidence support a deleterious effect on the gene or gene product.;For recessive disorders, detected in trans with a pathogenic variant.;Co-segregation with disease in multiple affected family members.;Patient's phenotype or family history is highly specific for a disease with a single genetic etiology.

Literature cited by the submitters: PubMed 39009665 (cited by Natera, Inc.); PubMed 17576681 (cited by Labcorp Genetics (formerly Invitae), Labcorp); PubMed 9536098 (cited by Labcorp Genetics (formerly Invitae), Labcorp).

NM_001369.3(DNAH5):c.4355+5G>A

Genes: DNAH5 (dynein axonemal heavy chain 5; minus strand), DNAH5-AS1 (DNAH5 antisense RNA 1; plus strand). Cytogenetic location: 5p15.2.
Variant type: single nucleotide variant.
Coding change: c.4355+5G>A on transcript NM_001369.3 (MANE Select); 5 bases into the intron after coding-DNA position 4355, G replaced by A.
Molecular consequence: intron variant.
Genome position (GRCh38, 1-based): chr5:13,865,663, C>T on the plus strand (G>A on the coding strand, the complement: DNAH5 is on the minus strand). VCF-style: chr5-13865663-C-T. GRCh37 (hg19) VCF-style: chr5-13865772-C-T.
Identifiers: ClinVar variation 992007 (VCV000992007.6), dbSNP rs774366812, ClinGen allele CA3204012.